The following is an entry in ClinVar:

ClinVar aggregate classification (germline): Uncertain significance (1 of 4 stars; one submission).

Submission:

Ambry Genetics
Classification: Uncertain significance. Last evaluated: 2026-08-11. Review status: criteria provided, single submitter. Criteria: Ambry Variant Classification Scheme 2023. Collection method: clinical testing. Allele origin: germline.
Comment: The p.V39A variant (also known as c.116T>C), located in coding exon 1 of the CDK12 gene, results from a T to C substitution at nucleotide position 116. The valine at codon 39 is replaced by alanine, an amino acid with similar properties. This amino acid position is conserved. In addition, this alteration is predicted to be tolerated by in silico analysis. Based on the available evidence, the clinical significance of this variant remains unclear.

NM_016507.4(CDK12):c.116T>C (p.Val39Ala)

Genes: CDK12 (cyclin dependent kinase 12; plus strand), LOC126862553 (CDK7 strongly-dependent group 2 enhancer GRCh37_chr17:37618166-37619365; plus strand). Cytogenetic location: 17q12.
Variant type: single nucleotide variant.
Coding change: c.116T>C on transcript NM_016507.4 (MANE Select); coding-DNA position 116, T replaced by C.
Protein change: p.Val39Ala; replaces valine 39 with alanine.
Molecular consequence: missense variant.
Genome position (GRCh38, 1-based): chr17:39,462,187, T>C. VCF-style: chr17-39462187-T-C. GRCh37 (hg19) VCF-style: chr17-37618440-T-C.
Other names: c.116T>C, p.Val39Ala (NM_015083.4); short protein forms V39A.
Identifiers: ClinVar variation 5034148 (VCV005034148.1).